The following is an entry in ClinVar:

ClinVar aggregate classification (germline): Likely benign. Review status: criteria provided, multiple submitters, no conflicts (2 of 4 stars). 2 submissions from 2 submitters: Likely benign (2). Last evaluated 2026-05-21.

Conditions:
CEP290-related disorder. Also called: CEP290-related condition; CEP290-related disorders. Identifiers: MedGen CN239314.
Meckel-Gruber syndrome. Also called: DYSENCEPHALIA SPLANCHNOCYSTICA; Dysencephalia splachnocystica; GRUBER SYNDROME. Identifiers: Orphanet 564, MedGen C0265215, MONDO:0018921.
Joubert syndrome. Also called: Familial aplasia of the vermis; JOUBERT-BOLTSHAUSER SYNDROME. Identifiers: Orphanet 475, MedGen C5979921, MONDO:0018772.
Nephronophthisis. Also called: Juvenile Nephronophthisis. Identifiers: Orphanet 655, MedGen C0687120, MONDO:0019005, HP:0000090.

gnomAD v4.1: 25 of 1,598,940 alleles (0.0016%); highest among the groups gnomAD compares: South Asian, 0.026%; no homozygotes.

Submissions (2):

PreventionGenetics, part of Exact Sciences
Classification: Likely benign for CEP290-related condition. Last evaluated: 2026-05-21. Review status: criteria provided, single submitter. Criteria: ACMG Guidelines, 2015. Collection method: clinical testing. Allele origin: germline.
Comment: This variant is classified as likely benign based on ACMG/AMP sequence variant interpretation guidelines (Richards et al. 2015 PMID: 25741868, with internal and published modifications).

Labcorp Genetics (formerly Invitae), Labcorp
Classification: Likely benign for Joubert syndrome; Meckel-Gruber syndrome; Nephronophthisis. Last evaluated: 2025-11-19. Review status: criteria provided, single submitter. Criteria: Invitae Variant Classification Sherloc (09022015). Collection method: clinical testing. Allele origin: germline.

NM_025114.4(CEP290):c.246A>G (p.Lys82=)

Gene: CEP290 (centrosomal protein 290; minus strand). Cytogenetic location: 12q21.32.
Variant type: single nucleotide variant.
Coding change: c.246A>G on transcript NM_025114.4 (MANE Select); coding-DNA position 246, A replaced by G.
Protein change: p.Lys82=; no amino-acid change (lysine 82 retained).
Molecular consequence: synonymous variant.
Genome position (GRCh38, 1-based): chr12:88,139,499, T>C on the plus strand (A>G on the coding strand, the complement: CEP290 is on the minus strand). VCF-style: chr12-88139499-T-C. GRCh37 (hg19) VCF-style: chr12-88533276-T-C.
Other names: c.246A>G (NM_025114.3).
Identifiers: ClinVar variation 1100109 (VCV001100109.10), dbSNP rs761233532, ClinGen allele CA6712874.